The following is an entry in ClinVar:

ClinVar aggregate classification (germline): Uncertain significance (1 of 4 stars; one submission).

Conditions:
Lymphatic malformation 6 (LMPHM6). Also called: PIEZO1-related generalized lymphatic dysplasia with non-immune hydrops fetalis; GENERALIZED LYMPHATIC DYSPLASIA OF FOTIOU; Lymphedema, hereditary, III. Identifiers: Orphanet 568062, MedGen C4225184, MONDO:0014797, OMIM 616843.

Submission:

Eurofins-Biomnis
Classification: Uncertain significance for Lymphatic malformation 6. Last evaluated: 2026-01-16. Review status: criteria provided, single submitter. Criteria: Accession Criteria ClinVar Biomnis. Collection method: clinical testing. Allele origin: maternal. Inheritance: Autosomal recessive inheritance. Affected: yes. Observed: 1 variant allele, 1 compound heterozygote.
Comment: Targeted long-range RT-PCR ([exons à préciser]) followed by nanopore long-read sequencing of RNA from cultured amniotic fluid cells, compared with two control cultures, showed the canonical exon 9-10 junction on reads containing exon 2, which derive from the maternal allele; the deletion also lies within an unannotated intron 9-retaining transcript present in the fetus and in the controls, on which it would create a premature termination codon. Classification unchanged after RNA analysis. ACMG/AMP criteria: PM2_Supporting, PP3.

NM_001142864.4(PIEZO1):c.1107+4_1107+19del

Genes: HSALR1 (HSP90AB1 associated lncRNA 1; plus strand), PIEZO1 (piezo type mechanosensitive ion channel component 1 (Er blood group); minus strand). Cytogenetic location: 16q24.3.
Variant type: Deletion.
Coding change: c.1107+4_1107+19del on transcript NM_001142864.4 (MANE Select); bases 4 to 19 of the intron after coding-DNA position 1107, 16 bases deleted (AGCAGCCAGGCAGGTG).
Molecular consequence: splice donor variant.
Genome position (GRCh38, 1-based): chr16:88,737,709-88,737,724, CACCTGCCTGGCTGCT deleted on the plus strand (AGCAGCCAGGCAGGTG on the coding strand, the reverse complement: PIEZO1 is on the minus strand); deleting any 16 consecutive bases within chr16:88,737,709-88,737,730 gives the same sequence; the c. name uses the placement nearest the transcript's 3' end. VCF-style (leftmost placement, unchanged base first): chr16-88737708-CCACCTGCCTGGCTGCT-C. GRCh37 (hg19) VCF-style: chr16-88804116-CCACCTGCCTGGCTGCT-C.
Identifiers: ClinVar variation 5043365 (VCV005043365.1).